The following is an entry in ClinVar:

NM_058216.3(RAD51C):c.904_904+11del

Gene: RAD51C (RAD51 paralog C; plus strand). Cytogenetic location: 17q22.
Variant type: Deletion.
Coding change: c.904_904+11del on transcript NM_058216.3 (MANE Select); coding-DNA position 904 through 11 bases into the intron after coding-DNA position 904, 12 bases deleted (GGTGGGTAATTA).
Molecular consequence: splice donor variant.
Genome position (GRCh38, 1-based): chr17:58,720,812-58,720,823, GGTGGGTAATTA deleted; deleting any 12 consecutive bases within chr17:58,720,808-58,720,823 gives the same sequence; the c. name uses the placement nearest the transcript's 3' end. VCF-style (leftmost placement, unchanged base first): chr17-58720807-CATTAGGTGGGTA-C. GRCh37 (hg19) VCF-style: chr17-56798168-CATTAGGTGGGTA-C.
Identifiers: ClinVar variation 2025414 (VCV002025414.4), dbSNP rs2509337492, ClinGen allele CA2580094314.
Genomic context (GRCh38, chr17:58,720,807, plus strand): 5'-TAATTTTAACCAATCAGATGACAACAAAGATTGATAGAAATCAGGCCTTGCTTGTTCCTG[CATTAGGTGGGTA>C]ATTAATCAGATAAACATTTTAGTTTATCACAGTTTTTCTTATCTCTTTCATTTGATTCTC-3'

ClinVar aggregate classification (germline): Likely pathogenic (1 of 4 stars; one submission).

Conditions:
Fanconi anemia complementation group O. Also called: RAD51C-Related Fanconi Anemia. Identifiers: Orphanet 84, MedGen C3150653, MONDO:0013248, OMIM 613390.

Submission:

Labcorp Genetics (formerly Invitae), Labcorp
Classification: Likely pathogenic for Fanconi anemia complementation group O. Last evaluated: 2022-08-20. Review status: criteria provided, single submitter. Criteria: Invitae Variant Classification Sherloc (09022015). Collection method: clinical testing. Allele origin: germline.
Comment: This variant is not present in population databases (gnomAD no frequency). This variant results in the deletion of part of exon 6 (c.904_904+11del) of the RAD51C gene. It is expected to disrupt RNA splicing. Variants that disrupt the donor or acceptor splice site typically lead to a loss of protein function (PMID: 16199547), and loss-of-function variants in RAD51C are known to be pathogenic (PMID: 20400964, 21990120, 24800917). In summary, the currently available evidence indicates that the variant is pathogenic, but additional data are needed to prove that conclusively. Therefore, this variant has been classified as Likely Pathogenic. Algorithms developed to predict the effect of sequence changes on RNA splicing suggest that this variant may disrupt the consensus splice site. This variant has not been reported in the literature in individuals affected with RAD51C-related conditions.

Literature cited by the submitters: PubMed 16199547; PubMed 20400964; PubMed 21990120; PubMed 24800917.